The following is an entry in ClinVar:

ClinVar aggregate classification (germline): Uncertain significance. Review status: criteria provided, multiple submitters, no conflicts (2 of 4 stars). 2 submissions from 2 submitters: Uncertain significance (2). Last evaluated 2025-11-24.

Conditions:
Intellectual developmental disorder, X-linked 1. Also called: Intellectual disability, X-linked 1; Atkin Flaitz Patil Smith syndrome; MENTAL RETARDATION, X-LINKED 18; MENTAL RETARDATION, X-LINKED 78. Identifiers: Orphanet 777, MedGen C2931498, MONDO:0010656, OMIM 309530.

Allele frequency attached by ClinVar (database versions not stated): gnomAD exomes below 0.00001; TOPMed 0.00002.

Submissions (2):

Labcorp Genetics (formerly Invitae), Labcorp
Classification: Uncertain significance for Intellectual developmental disorder, X-linked 1. Last evaluated: 2025-11-24. Review status: criteria provided, single submitter. Criteria: Invitae Variant Classification Sherloc (09022015). Collection method: clinical testing. Allele origin: germline.
Comment: This sequence change replaces arginine, which is basic and polar, with cysteine, which is neutral and slightly polar, at codon 986 of the IQSEC2 protein (p.Arg986Cys). This variant is not present in population databases (gnomAD no frequency). This variant has not been reported in the literature in individuals affected with IQSEC2-related conditions. ClinVar contains an entry for this variant (Variation ID: 432224). Invitae Evidence Modeling of protein sequence and biophysical properties (such as structural, functional, and spatial information, amino acid conservation, physicochemical variation, residue mobility, and thermodynamic stability) has been performed for this missense variant. However, the output from this modeling did not meet the statistical confidence thresholds required to predict the impact of this variant on IQSEC2 protein function. In summary, the available evidence is currently insufficient to determine the role of this variant in disease. Therefore, it has been classified as a Variant of Uncertain Significance.

GeneDx
Classification: Uncertain significance. Last evaluated: 2017-06-06. Review status: criteria provided, single submitter. Criteria: GeneDx Variant Classification (06012015). Collection method: clinical testing. Allele origin: germline. Affected: yes.
Comment: A variant of uncertain significance has been identified in the IQSEC2 gene. The R986C variant has not been published as a pathogenic variant, nor has it been reported as a benign variant to our knowledge. The R986C variant is not observed in large population cohorts (Lek et al., 2016; 1000 Genomes Consortium et al., 2015; Exome Variant Server). The R986C variant is a non-conservative amino acid substitution, which is likely to impact secondary protein structure as these residues differ in polarity, charge, size and/or other properties. This substitution occurs at a position that is conserved across species. In silico analysis predicts this variant is probably damaging to the protein structure/function. However, missense variants in nearby residues have not been reported in the Human Gene Mutation Database in association with IQSEC2-related disorders (Stenson et al., 2014). Therefore, based on the currently available information, it is unclear whether this variant is a pathogenic variant or a rare benign variant.

NM_001111125.3(IQSEC2):c.2956C>T (p.Arg986Cys)

Gene: IQSEC2 (IQ motif and Sec7 domain ArfGEF 2; minus strand). Cytogenetic location: Xp11.22.
Variant type: single nucleotide variant.
Coding change: c.2956C>T on transcript NM_001111125.3 (MANE Select); coding-DNA position 2956, C replaced by T.
Protein change: p.Arg986Cys; replaces arginine 986 with cysteine.
Molecular consequence: missense variant.
Genome position (GRCh38, 1-based): chrX:53,241,843, G>A on the plus strand (C>T on the coding strand, the complement: IQSEC2 is on the minus strand). VCF-style: chrX-53241843-G-A. GRCh37 (hg19) VCF-style: chrX-53271025-G-A.
Other names: c.2341C>T, p.Arg781Cys (NM_015075.2); short protein forms R986C, R781C.
Identifiers: ClinVar variation 432224 (VCV000432224.5), dbSNP rs1556860910, ClinGen allele CA413149249.